The following is an entry in ClinVar:

ClinVar aggregate classification (germline): Pathogenic/Likely pathogenic. Review status: criteria provided, multiple submitters, no conflicts (2 of 4 stars). 4 submissions from 4 submitters: Pathogenic (1); Likely pathogenic (2). 1 of the submissions does not count toward it. Last evaluated 2025-09-17.

Conditions:
DOORS syndrome (DOORS). Also called: DRC SYNDROME; BRACHYDACTYLY DUE TO ABSENCE OF DISTAL PHALANGES; ERONEN SYNDROME; DOOR SYNDROME; Digitorenocerebral syndrome; DOORS Syndrome (Deafness, Onychodystrophy, Osteodystrophy, Mental Retardation, and Seizures). Identifiers: Orphanet 3231, Orphanet 79500, MedGen C0795934, MONDO:0009079, OMIM 220500. Disease mechanism: loss of function.
Developmental and epileptic encephalopathy, 16 (DEE16). Also called: Early infantile epileptic encephalopathy 16; TBC1D24-Related Developmental and Epileptic Encephalopathy (DEE). Identifiers: Orphanet 293181, Orphanet 352596, MedGen C3809173, MONDO:0014133, OMIM 615338.
Developmental and epileptic encephalopathy, 1 (DEE1). Also called: X-linked infantile spasms; West's syndrome; Tonic spasms with clustering, arrest of psychomotor development and hypsarrhythmia on EEG; X-Linked Infantile Spasm Syndrome; OHTAHARA SYNDROME, X-LINKED; Epileptic encephalopathy, early infantile, 1. Identifiers: MedGen C3463992, MONDO:0010632, OMIM 308350. Disease mechanism: loss of function.
Autosomal dominant nonsyndromic hearing loss 65. Also called: Deafness, autosomal dominant 65; TBC1D24-Related Autosomal Dominant Nonsyndromic Hearing Loss (DFNA). Identifiers: Orphanet 90635, MedGen C3892048, MONDO:0014470, OMIM 616044.

Allele frequency attached by ClinVar (database versions not stated): TOPMed below 0.00001; gnomAD 0.00001; ExAC 0.00002; gnomAD exomes below 0.00001.

Submissions (4):

Labcorp Genetics (formerly Invitae), Labcorp
Classification: Likely pathogenic for Developmental and epileptic encephalopathy, 1; Autosomal dominant nonsyndromic hearing loss 65. Last evaluated: 2025-09-17. Review status: criteria provided, single submitter. Criteria: Invitae Variant Classification Sherloc (09022015). Collection method: clinical testing. Allele origin: germline.
Comment: This sequence change affects a donor splice site in intron 2 of the TBC1D24 gene. It is expected to disrupt RNA splicing. Variants that disrupt the donor or acceptor splice site typically lead to a loss of protein function (PMID: 16199547), and loss-of-function variants in TBC1D24 are known to be pathogenic (PMID: 23526554, 24291220). This variant is present in population databases (rs755370981, gnomAD 0.0009%). This variant has not been reported in the literature in individuals affected with TBC1D24-related conditions. ClinVar contains an entry for this variant (Variation ID: 1029242). Algorithms developed to predict the effect of sequence changes on RNA splicing suggest that this variant may disrupt the consensus splice site. In summary, the currently available evidence indicates that the variant is pathogenic, but additional data are needed to prove that conclusively. Therefore, this variant has been classified as Likely Pathogenic.

3billion
Classification: Pathogenic for Developmental and epileptic encephalopathy, 16. Last evaluated: 2024-11-27. Review status: criteria provided, single submitter. Criteria: ACMG Guidelines, 2015. Collection method: clinical testing. Allele origin: germline. Affected: yes.
Comment: The variant is observed at an extremely low frequency in the gnomAD v4.1.0 dataset (total allele frequency: <0.001%). Predicted Consequence/Location: Canonical splice site: predicted to alter splicing and result in a loss or disruption of normal protein function. Multiple pathogenic loss-of-function variants are reported downstream of the variant. In silico tools predict the variant to alter splicing and produce an abnormal transcript [SpliceAI: 0.40 (spliceogenicity >=0.2, non-spliceogenicity <0.1)]. The variant has been reported at least twice as pathogenic without evidence for the classification (ClinVar ID: VCV001029242 /3billion dataset). Therefore, this variant is classified as Pathogenic according to the recommendation of ACMG/AMP guideline.

Baylor Genetics
Classification: Likely pathogenic for DOORS syndrome. Last evaluated: 2020-01-15. Review status: criteria provided, single submitter. Criteria: ACMG Guidelines, 2015. Collection method: clinical testing. Allele origin: unknown. Affected: yes.
Comment: This variant was determined to be likely pathogenic according to ACMG Guidelines, 2015 [PMID:25741868].

Royal Medical Services, Bahrain Defence Force Hospital
Classification: Likely pathogenic for DOORS syndrome. Review status: no assertion criteria provided. Collection method: in vitro. Allele origin: inherited. Inheritance: Autosomal recessive inheritance. Affected: yes. Observed: 1 homozygote. Not counted in ClinVar's aggregate classification.
Comment: Prenatal WES due to abnormal ultrasound.

Literature cited by the submitters: PubMed 16199547 (cited by Labcorp Genetics (formerly Invitae), Labcorp); PubMed 23526554 (cited by Labcorp Genetics (formerly Invitae), Labcorp); PubMed 24291220 (cited by Labcorp Genetics (formerly Invitae), Labcorp); PubMed 1029242 (cited by Royal Medical Services, Bahrain Defence Force Hospital).

NM_001199107.2(TBC1D24):c.965+2T>C

Gene: TBC1D24 (TBC1 domain family member 24; plus strand). Cytogenetic location: 16p13.3.
Variant type: single nucleotide variant.
Coding change: c.965+2T>C on transcript NM_001199107.2 (MANE Select); the canonical splice donor site of the intron after coding-DNA position 965, T replaced by C.
Molecular consequence: splice donor variant.
Genome position (GRCh38, 1-based): chr16:2,497,115, T>C. VCF-style: chr16-2497115-T-C. GRCh37 (hg19) VCF-style: chr16-2547116-T-C.
Other names: c.965+2T>C (NM_020705.3).
Identifiers: ClinVar variation 1029242 (VCV001029242.7), dbSNP rs755370981, ClinGen allele CA7844098.
Genomic context (GRCh38, chr16:2,497,115, plus strand): 5'-CTGCAGATGGCCAATGAGAAAGCCCTGAAGCAGAAGGGCATCACCGTGAAGCAGAAGAGG[T>C]AGGTCGCCGGCAGCCTGTGAGGGGTACACCCAGGGTCGGGGGCTGGGGCAGGACGTGTCT-3'